The following is an entry in ClinVar:

NM_001903.5(CTNNA1):c.859-2A>G

Gene: CTNNA1 (catenin alpha 1; plus strand). Cytogenetic location: 5q31.2.
Variant type: single nucleotide variant.
Coding change: c.859-2A>G on transcript NM_001903.5 (MANE Select); the canonical splice acceptor site of the intron before coding-DNA position 859, A replaced by G.
Molecular consequence: splice acceptor variant.
Genome position (GRCh38, 1-based): chr5:138,827,513, A>G. VCF-style: chr5-138827513-A-G. GRCh37 (hg19) VCF-style: chr5-138163202-A-G.
Other names: c.859-2A>G (NM_001323982.2, NM_001323984.2, NM_001290307.3 and 3 more transcripts); c.490-2A>G (NM_001290310.3); c.550-2A>G (NM_001290309.3).
Identifiers: ClinVar variation 1405971 (VCV001405971.8), dbSNP rs2149785390, ClinGen allele CA361130598.

ClinVar aggregate classification (germline): Likely pathogenic (1 of 4 stars; one submission).

Submission:

Labcorp Genetics (formerly Invitae), Labcorp
Classification: Likely pathogenic. Last evaluated: 2024-04-17. Review status: criteria provided, single submitter. Criteria: Invitae Variant Classification Sherloc (09022015). Collection method: clinical testing. Allele origin: germline.
Comment: This sequence change affects an acceptor splice site in intron 6 of the CTNNA1 gene. It is expected to disrupt RNA splicing. Variants that disrupt the donor or acceptor splice site typically lead to a loss of protein function (PMID: 16199547), and loss-of-function variants in CTNNA1 are known to be pathogenic (PMID: 32051609, 34425242). This variant is not present in population databases (gnomAD no frequency). This variant has not been reported in the literature in individuals affected with CTNNA1-related conditions. ClinVar contains an entry for this variant (Variation ID: 1405971). Algorithms developed to predict the effect of sequence changes on RNA splicing suggest that this variant may disrupt the consensus splice site. In summary, the currently available evidence indicates that the variant is pathogenic, but additional data are needed to prove that conclusively. Therefore, this variant has been classified as Likely Pathogenic.

Literature cited by the submitters: PubMed 16199547; PubMed 32051609; PubMed 34425242.